The following is an entry in ClinVar:

NM_000574.5(CD55):c.1097C>T (p.Thr366Met)

Gene: CD55 (CD55 molecule (Cromer blood group); plus strand). Cytogenetic location: 1q32.2.
Variant type: single nucleotide variant.
Coding change: c.1097C>T on transcript NM_000574.5 (MANE Select); coding-DNA position 1097, C replaced by T.
Protein change: p.Thr366Met; replaces threonine 366 with methionine.
Molecular consequence: missense variant. On other transcripts: synonymous variant (2), 3 prime UTR variant (1), non-coding transcript variant (1).
Genome position (GRCh38, 1-based): chr1:207,359,561, C>T. VCF-style: chr1-207359561-C-T. GRCh37 (hg19) VCF-style: chr1-207532906-C-T.
Other names: c.1215C>T, p.His405= (NM_001114752.3); c.1212C>T, p.His404= (NM_001300903.2); c.*35C>T (NM_001300904.2); c.1097C>T (NM_000574.3); short protein forms T366M.
Identifiers: ClinVar variation 1443987 (VCV001443987.4), dbSNP rs756176395, ClinGen allele CA1368284.

ClinVar aggregate classification (germline): Uncertain significance. Review status: criteria provided, multiple submitters, no conflicts (2 of 4 stars). 2 submissions from 2 submitters: Uncertain significance (2). Last evaluated 2025-06-10.

Conditions:
Inborn genetic diseases. Identifiers: MedGen C0950123, MeSH D030342.

Allele frequency attached by ClinVar (database versions not stated): gnomAD exomes 0.00001 and 0.00002; ExAC 0.00002; gnomAD 0.00009 and 0.00010.
gnomAD v4.1: 30 of 1,532,606 alleles (0.002%); highest among the groups gnomAD compares: African/African-American, 0.023%; no homozygotes.

Submissions (2):

Ambry Genetics
Classification: Uncertain significance for Inborn genetic diseases. Last evaluated: 2025-06-10. Review status: criteria provided, single submitter. Criteria: Ambry Variant Classification Scheme 2023. Collection method: clinical testing. Allele origin: germline.

Labcorp Genetics (formerly Invitae), Labcorp
Classification: Uncertain significance. Last evaluated: 2021-11-12. Review status: criteria provided, single submitter. Criteria: Invitae Variant Classification Sherloc (09022015). Collection method: clinical testing. Allele origin: germline.
Comment: This sequence change replaces threonine, which is neutral and polar, with methionine, which is neutral and non-polar, at codon 366 of the CD55 protein (p.Thr366Met). The frequency data for this variant in the population databases is considered unreliable, as metrics indicate poor data quality at this position in the gnomAD database. This variant has not been reported in the literature in individuals affected with CD55-related conditions. Algorithms developed to predict the effect of missense changes on protein structure and function are either unavailable or do not agree on the potential impact of this missense change (SIFT: "Tolerated"; PolyPhen-2: "Not Available"; Align-GVGD: "Class C0"). In summary, the available evidence is currently insufficient to determine the role of this variant in disease. Therefore, it has been classified as a Variant of Uncertain Significance.